The following is an entry in ClinVar:

ClinVar aggregate classification (germline): Uncertain significance (1 of 4 stars; one submission).

Conditions:
Emery-Dreifuss muscular dystrophy 4, autosomal dominant (EDMD4). Also called: EMERY-DREIFUSS MUSCULAR DYSTROPHY 4 WITH VARIABLE FEATURES. Identifiers: Orphanet 261, MedGen C2751807, MONDO:0013071, OMIM 612998.
Autosomal recessive ataxia, Beauce type. Also called: SYNE1 Deficiency; Spinocerebellar ataxia, autosomal recessive 8; ATAXIA, RECESSIVE, OF BEAUCE; SYNE1-Related Autosomal Recessive Cerebellar Ataxia. Identifiers: Orphanet 88644, MedGen C1853116, MONDO:0012549, OMIM 610743.

Submission:

Labcorp Genetics (formerly Invitae), Labcorp
Classification: Uncertain significance for Emery-Dreifuss muscular dystrophy 4, autosomal dominant; Autosomal recessive ataxia, Beauce type. Last evaluated: 2022-08-19. Review status: criteria provided, single submitter. Criteria: Invitae Variant Classification Sherloc (09022015). Collection method: clinical testing. Allele origin: germline.
Comment: This sequence change replaces asparagine, which is neutral and polar, with isoleucine, which is neutral and non-polar, at codon 3123 of the SYNE1 protein (p.Asn3123Ile). This variant is not present in population databases (gnomAD no frequency). This variant has not been reported in the literature in individuals affected with SYNE1-related conditions. Algorithms developed to predict the effect of missense changes on protein structure and function are either unavailable or do not agree on the potential impact of this missense change (SIFT: "Deleterious"; PolyPhen-2: "Benign"; Align-GVGD: "Class C15"). In summary, the available evidence is currently insufficient to determine the role of this variant in disease. Therefore, it has been classified as a Variant of Uncertain Significance.

NM_182961.4(SYNE1):c.9347A>T (p.Asn3116Ile)

Gene: SYNE1 (spectrin repeat containing nuclear envelope protein 1; minus strand). Cytogenetic location: 6q25.2.
Variant type: single nucleotide variant.
Coding change: c.9347A>T on transcript NM_182961.4 (MANE Select); coding-DNA position 9347, A replaced by T.
Protein change: p.Asn3116Ile; replaces asparagine 3116 with isoleucine.
Molecular consequence: missense variant.
Genome position (GRCh38, 1-based): chr6:152,373,197, T>A on the plus strand (A>T on the coding strand, the complement: SYNE1 is on the minus strand). VCF-style: chr6-152373197-T-A. GRCh37 (hg19) VCF-style: chr6-152694332-T-A.
Other names: c.9368A>T, p.Asn3123Ile (NM_033071.5); short protein forms N3116I, N3123I.
Identifiers: ClinVar variation 1954507 (VCV001954507.5), dbSNP rs2490554990, ClinGen allele CA366140230.